The following is an entry in ClinVar:

ClinVar aggregate classification (germline): Uncertain significance (1 of 4 stars; one submission).

Allele frequency attached by ClinVar (database versions not stated): gnomAD exomes 0.00001; ExAC 0.00002; TOPMed 0.00002; gnomAD 0.00003.
gnomAD v4.1: 22 of 1,607,582 alleles (0.0014%); highest among the groups gnomAD compares: East Asian, 0.0067%; no homozygotes.

Submission:

Labcorp Genetics (formerly Invitae), Labcorp
Classification: Uncertain significance. Last evaluated: 2023-12-02. Review status: criteria provided, single submitter. Criteria: Invitae Variant Classification Sherloc (09022015). Collection method: clinical testing. Allele origin: germline.
Comment: This sequence change replaces alanine, which is neutral and non-polar, with valine, which is neutral and non-polar, at codon 487 of the TFRC protein (p.Ala487Val). This variant is present in population databases (rs563023109, gnomAD 0.02%). This variant has not been reported in the literature in individuals affected with TFRC-related conditions. Advanced modeling of protein sequence and biophysical properties (such as structural, functional, and spatial information, amino acid conservation, physicochemical variation, residue mobility, and thermodynamic stability) performed at Invitae indicates that this missense variant is not expected to disrupt TFRC protein function with a negative predictive value of 80%. In summary, the available evidence is currently insufficient to determine the role of this variant in disease. Therefore, it has been classified as a Variant of Uncertain Significance.

NM_001128148.3(TFRC):c.1460C>T (p.Ala487Val)

Gene: TFRC (transferrin receptor; minus strand). Cytogenetic location: 3q29.
Variant type: single nucleotide variant.
Coding change: c.1460C>T on transcript NM_001128148.3 (MANE Select); coding-DNA position 1460, C replaced by T.
Protein change: p.Ala487Val; replaces alanine 487 with valine.
Molecular consequence: missense variant.
Genome position (GRCh38, 1-based): chr3:196,062,590, G>A on the plus strand (C>T on the coding strand, the complement: TFRC is on the minus strand). VCF-style: chr3-196062590-G-A. GRCh37 (hg19) VCF-style: chr3-195789461-G-A.
Other names: c.1217C>T, p.Ala406Val (NM_001313965.2); c.614C>T, p.Ala205Val (NM_001313966.2); c.1460C>T, p.Ala487Val (NM_003234.4); short protein forms A205V, A406V, A487V.
Identifiers: ClinVar variation 2980785 (VCV002980785.3), dbSNP rs563023109, ClinGen allele CA2777919.